The following is an entry in ClinVar:

NM_001042492.3(NF1):c.6820-17T>C

Gene: NF1 (neurofibromin 1; plus strand). Cytogenetic location: 17q11.2.
Variant type: single nucleotide variant.
Coding change: c.6820-17T>C on transcript NM_001042492.3 (MANE Select); 17 bases into the intron before coding-DNA position 6820, T replaced by C.
Molecular consequence: intron variant.
Genome position (GRCh38, 1-based): chr17:31,338,687, T>C. VCF-style: chr17-31338687-T-C. GRCh37 (hg19) VCF-style: chr17-29665705-T-C.
Other names: c.6757-17T>C (NM_000267.4).
Identifiers: ClinVar variation 2165806 (VCV002165806.5), dbSNP rs2508762164, ClinGen allele CA2580093153.

ClinVar aggregate classification (germline): Likely benign. Review status: criteria provided, multiple submitters, no conflicts (2 of 4 stars). 2 submissions from 2 submitters: Likely benign (2). Last evaluated 2026-05-13.

Conditions:
Neurofibromatosis, type 1 (NF1). Also called: Neurofibromatosis, type I; NEUROFIBROMATOSIS, TYPE I, SOMATIC; VON RECKLINGHAUSEN DISEASE; Peripheral type neurofibromatosis. Identifiers: Orphanet 636, MedGen C0027831, MONDO:0018975, OMIM 162200. Disease mechanism: loss of function.

Submissions (2):

Myriad Genetics, Inc.
Classification: Likely benign for Neurofibromatosis, type 1. Last evaluated: 2026-05-13. Review status: criteria provided, single submitter. Criteria: Myriad Autosomal Dominant, Autosomal Recessive and X-Linked Classification Criteria (2023). Collection method: clinical testing. Allele origin: unknown.
Comment: This variant is considered likely benign. This variant is intronic and is not expected to impact mRNA splicing.

Labcorp Genetics (formerly Invitae), Labcorp
Classification: Likely benign for Neurofibromatosis, type 1. Last evaluated: 2024-01-19. Review status: criteria provided, single submitter. Criteria: Invitae Variant Classification Sherloc (09022015). Collection method: clinical testing. Allele origin: germline.